The following is an entry in ClinVar:

NM_001367561.1(DOCK7):c.1800G>C (p.Pro600=)

Gene: DOCK7 (dedicator of cytokinesis 7; minus strand). Cytogenetic location: 1p31.3.
Variant type: single nucleotide variant.
Coding change: c.1800G>C on transcript NM_001367561.1 (MANE Select); coding-DNA position 1800, G replaced by C.
Protein change: p.Pro600=; no amino-acid change (proline 600 retained).
Molecular consequence: synonymous variant.
Genome position (GRCh38, 1-based): chr1:62,586,507, C>G on the plus strand (G>C on the coding strand, the complement: DOCK7 is on the minus strand). VCF-style: chr1-62586507-C-G. GRCh37 (hg19) VCF-style: chr1-63052178-C-G.
Other names: c.1800G>C, p.Pro600= (NM_001271999.2, NM_001272000.2, NM_001272001.2 and 3 more transcripts).
Identifiers: ClinVar variation 1393803 (VCV001393803.6), dbSNP rs201404610, ClinGen allele CA418016829.

ClinVar aggregate classification (germline): Uncertain significance (1 of 4 stars; one submission).

Conditions:
Developmental and epileptic encephalopathy, 23 (DEE23). Also called: Epileptic encephalopathy, early infantile, 23. Identifiers: Orphanet 411986, MedGen C4014492, MONDO:0014371, OMIM 615859.

Submission:

Labcorp Genetics (formerly Invitae), Labcorp
Classification: Uncertain significance for Developmental and epileptic encephalopathy, 23. Last evaluated: 2022-07-25. Review status: criteria provided, single submitter. Criteria: Invitae Variant Classification Sherloc (09022015). Collection method: clinical testing. Allele origin: germline.
Comment: Variants that disrupt the consensus splice site are a relatively common cause of aberrant splicing (PMID: 17576681, 9536098). Algorithms developed to predict the effect of sequence changes on RNA splicing suggest that this variant is not likely to affect RNA splicing. In summary, the available evidence is currently insufficient to determine the role of this variant in disease. Therefore, it has been classified as a Variant of Uncertain Significance. ClinVar contains an entry for this variant (Variation ID: 1393803). This variant has not been reported in the literature in individuals affected with DOCK7-related conditions. This variant is present in population databases (no rsID available, gnomAD 0.01%). This sequence change affects codon 600 of the DOCK7 mRNA. It is a 'silent' change, meaning that it does not change the encoded amino acid sequence of the DOCK7 protein. This variant also falls at the last nucleotide of exon 15, which is part of the consensus splice site for this exon.

Literature cited by the submitters: PubMed 17576681; PubMed 9536098.